The following is an entry in ClinVar:

ClinVar aggregate classification (germline): Conflicting classifications of pathogenicity. Review status: criteria provided, conflicting classifications (1 of 4 stars). 6 submissions from 6 submitters: Pathogenic (1); Likely pathogenic (4); Uncertain significance (1). Last evaluated 2025-10-06.

Conditions:
Glycogen storage disease, type V (GSD5). Also called: McArdle type glycogen storage disease; MCARDLE DISEASE; MUSCLE GLYCOGEN PHOSPHORYLASE DEFICIENCY; MYOPHOSPHORYLASE DEFICIENCY; PYGM DEFICIENCY. Identifiers: Orphanet 368, MedGen C0017924, MONDO:0009293, OMIM 232600.

Allele frequency attached by ClinVar (database versions not stated): TOPMed 0.00001; ExAC 0.00002.
gnomAD v4.1: 37 of 1,613,876 alleles (0.0023%); highest among the groups gnomAD compares: Non-Finnish European, 0.0029%; no homozygotes.

Submissions (6):

Labcorp Genetics (formerly Invitae), Labcorp
Classification: Pathogenic for Glycogen storage disease, type V. Last evaluated: 2025-10-06. Review status: criteria provided, single submitter. Criteria: Invitae Variant Classification Sherloc (09022015). Collection method: clinical testing. Allele origin: germline.
Comment: This sequence change replaces glycine, which is neutral and non-polar, with arginine, which is basic and polar, at codon 135 of the PYGM protein (p.Gly135Arg). This variant is present in population databases (rs780246932, gnomAD 0.006%). This missense change has been observed in individual(s) with glycogen storage disease (PMID: 19472443, 29143597; internal data). ClinVar contains an entry for this variant (Variation ID: 623217). Invitae Evidence Modeling of protein sequence and biophysical properties (such as structural, functional, and spatial information, amino acid conservation, physicochemical variation, residue mobility, and thermodynamic stability) indicates that this missense variant is expected to disrupt PYGM protein function with a positive predictive value of 95%. For these reasons, this variant has been classified as Pathogenic.

Natera, Inc.
Classification: Likely pathogenic for Glycogen storage disease V. Last evaluated: 2024-11-04. Review status: criteria provided, single submitter. Criteria: Natera Variant Classification Schema (03/2026). Collection method: clinical testing. Allele origin: germline.
Comment: The c.403G>A variant in PYGM is a missense variant predicted to cause substitution of glycine to arginine at amino acid 135. This variant is rare in the general population with a frequency below the threshold expected for the associated phenotype(s). This variant has been observed in one or more individuals affected with the associated recessive disease, as either homozygous or compound heterozygous with a second variant (PMID: 19472443, 29143597). Computational prediction algorithms indicate this variant is likely to affect gene or protein function. Given the available evidence, this variant is classified as Likely Pathogenic.

Fulgent Genetics
Classification: Likely pathogenic for Glycogen storage disease, type V. Last evaluated: 2024-04-24. Review status: criteria provided, single submitter. Criteria: ACMG Guidelines, 2015. Collection method: clinical testing. Allele origin: germline.

Blueprint Genetics
Classification: Uncertain significance. Last evaluated: 2024-04-08. Review status: criteria provided, single submitter. Criteria: ACMG Guidelines, 2015. Collection method: clinical testing. Allele origin: germline.

Baylor Genetics
Classification: Likely pathogenic for Glycogen storage disease, type V. Last evaluated: 2023-10-11. Review status: criteria provided, single submitter. Criteria: ACMG Guidelines, 2015. Collection method: clinical testing. Allele origin: unknown.

Molecular Diagnostics Laboratory, M Health Fairview: University of Minnesota
Classification: Likely pathogenic for Glycogen storage disease, type V. Last evaluated: 2017-08-22. Review status: criteria provided, single submitter. Criteria: ACMG Guidelines, 2015. Collection method: clinical testing. Allele origin: germline. Affected: yes. Observed: 1 variant allele.

Literature cited by the submitters: PubMed 19472443 (cited by 3 submitters); PubMed 29143597 (cited by Labcorp Genetics (formerly Invitae), Labcorp and Natera, Inc.).

NM_005609.4(PYGM):c.403G>A (p.Gly135Arg)

Gene: PYGM (glycogen phosphorylase, muscle associated; minus strand). Cytogenetic location: 11q13.1.
Variant type: single nucleotide variant.
Coding change: c.403G>A on transcript NM_005609.4 (MANE Select); coding-DNA position 403, G replaced by A.
Protein change: p.Gly135Arg; replaces glycine 135 with arginine.
Molecular consequence: missense variant. On other transcripts: intron variant (1).
Genome position (GRCh38, 1-based): chr11:64,758,458, C>T on the plus strand (G>A on the coding strand, the complement: PYGM is on the minus strand). VCF-style: chr11-64758458-C-T. GRCh37 (hg19) VCF-style: chr11-64525930-C-T.
Other names: c.244-192G>A (NM_001164716.1); c.403G>A (NM_005609.3); short protein forms G135R.
Identifiers: ClinVar variation 623217 (VCV000623217.9), dbSNP rs780246932, ClinGen allele CA6080270.